The following is an entry in ClinVar:

ClinVar aggregate classification (germline): Likely benign (1 of 4 stars; one submission).

Allele frequency attached by ClinVar (database versions not stated): 1000 Genomes Project 0.02376; 1000 Genomes Project 30x 0.02498; gnomAD 0.02585 and 0.02662; TOPMed 0.02888.
gnomAD v4.1: 3,942 of 152,324 alleles (2.6%); highest among the groups gnomAD compares: Middle Eastern, 11%; 69 homozygotes.

Submission:

GeneDx
Classification: Likely benign. Last evaluated: 2018-06-19. Review status: criteria provided, single submitter. Criteria: GeneDx Variant Classification (06012015). Collection method: clinical testing. Allele origin: germline. Affected: yes.
Comment: This variant is considered likely benign or benign based on one or more of the following criteria: it is a conservative change, it occurs at a poorly conserved position in the protein, it is predicted to be benign by multiple in silico algorithms, and/or has population frequency not consistent with disease.

NM_020822.3(KCNT1):c.2243+172C>T

Gene: KCNT1 (potassium sodium-activated channel subfamily T member 1; plus strand). Cytogenetic location: 9q34.3.
Variant type: single nucleotide variant.
Coding change: c.2243+172C>T on transcript NM_020822.3 (MANE Select); 172 bases into the intron after coding-DNA position 2243, C replaced by T.
Molecular consequence: intron variant.
Genome position (GRCh38, 1-based): chr9:135,773,121, C>T. VCF-style: chr9-135773121-C-T. GRCh37 (hg19) VCF-style: chr9-138664967-C-T.
Other names: c.2108+172C>T (NM_001272003.2).
Identifiers: ClinVar variation 674515 (VCV000674515.1), dbSNP rs113382099, ClinGen allele CA201474940.